The following is an entry in ClinVar:

ClinVar aggregate classification (germline): Pathogenic (1 of 4 stars; one submission).

Submission:

Labcorp Genetics (formerly Invitae), Labcorp
Classification: Pathogenic. Last evaluated: 2022-10-15. Review status: criteria provided, single submitter. Criteria: Invitae Variant Classification Sherloc (09022015). Collection method: clinical testing. Allele origin: germline.
Comment: This sequence change creates a premature translational stop signal (p.Glu620*) in the PLOD3 gene. It is expected to result in an absent or disrupted protein product. Loss-of-function variants in PLOD3 are known to be pathogenic (PMID: 30237576). This variant is not present in population databases (gnomAD no frequency). This variant has not been reported in the literature in individuals affected with PLOD3-related conditions. For these reasons, this variant has been classified as Pathogenic.

Literature cited by the submitters: PubMed 30237576.

NM_001084.5(PLOD3):c.1858G>T (p.Glu620Ter)

Gene: PLOD3 (procollagen-lysine,2-oxoglutarate 5-dioxygenase 3; minus strand). Cytogenetic location: 7q22.1.
Variant type: single nucleotide variant.
Coding change: c.1858G>T on transcript NM_001084.5 (MANE Select); coding-DNA position 1858, G replaced by T.
Protein change: p.Glu620Ter; replaces glutamic acid 620 with a stop codon.
Molecular consequence: nonsense.
Genome position (GRCh38, 1-based): chr7:101,207,655, C>A on the plus strand (G>T on the coding strand, the complement: PLOD3 is on the minus strand). VCF-style: chr7-101207655-C-A. GRCh37 (hg19) VCF-style: chr7-100850936-C-A.
Other names: short protein forms E620*.
Identifiers: ClinVar variation 2035674 (VCV002035674.4), dbSNP rs201613747, ClinGen allele CA368610947.